The following is an entry in ClinVar:

NM_022552.5(DNMT3A):c.1296C>T (p.Tyr432=)

Gene: DNMT3A (DNA methyltransferase 3 alpha; minus strand). Cytogenetic location: 2p23.3.
Variant type: single nucleotide variant.
Coding change: c.1296C>T on transcript NM_022552.5 (MANE Select); coding-DNA position 1296, C replaced by T.
Protein change: p.Tyr432=; no amino-acid change (tyrosine 432 retained).
Molecular consequence: synonymous variant. On other transcripts: non-coding transcript variant (1).
Genome position (GRCh38, 1-based): chr2:25,246,293, G>A on the plus strand (C>T on the coding strand, the complement: DNMT3A is on the minus strand). VCF-style: chr2-25246293-G-A. GRCh37 (hg19) VCF-style: chr2-25469162-G-A.
Other names: c.840C>T, p.Tyr280= (NM_001320893.1); c.627C>T, p.Tyr209= (NM_001375819.1); c.729C>T, p.Tyr243= (NM_153759.3); c.1296C>T, p.Tyr432= (NM_175629.2).
Identifiers: ClinVar variation 4995743 (VCV004995743.1).
Genomic context (GRCh38, chr2:25,246,293, plus strand): 5'-TGGAGGTGGTGCGTAGGCAGCTGCCTCAGGTTCCACCCACATGTCCGTGTACACTTCTTT[G>A]TAGGGATTCTTCTCTTCTGGAGGAGGAAAGCAGGTGCCAAGGTCAGTTACAGGCTGACAG-3'
Protein context (NP_072046.2, residues 422-442): LEPPEEEKNP[Tyr432=]KEVYTDMWVE

ClinVar aggregate classification (germline): Likely benign (1 of 4 stars; one submission).

Conditions:
DNMT3A-related disorder. Also called: DNMT3A-related disorders; DNMT3A-related condition.

gnomAD v4.1: 1 of 1,609,642 alleles (0.000062%); highest among the groups gnomAD compares: African/African-American, 0.0013%; no homozygotes.

Submission:

PreventionGenetics, part of Exact Sciences
Classification: Likely benign for DNMT3A-related condition. Last evaluated: 2026-05-15. Review status: criteria provided, single submitter. Criteria: ACMG Guidelines, 2015. Collection method: clinical testing. Allele origin: germline.
Comment: This variant is classified as likely benign based on ACMG/AMP sequence variant interpretation guidelines (Richards et al. 2015 PMID: 25741868, with internal and published modifications).